The following is an entry in ClinVar:

NM_000080.4(CHRNE):c.1289T>G (p.Val430Gly)

Gene: CHRNE (cholinergic receptor nicotinic epsilon subunit; minus strand). Cytogenetic location: 17p13.2.
Variant type: single nucleotide variant.
Coding change: c.1289T>G on transcript NM_000080.4 (MANE Select); coding-DNA position 1289, T replaced by G.
Protein change: p.Val430Gly; replaces valine 430 with glycine.
Molecular consequence: missense variant.
Genome position (GRCh38, 1-based): chr17:4,899,038, A>C on the plus strand (T>G on the coding strand, the complement: CHRNE is on the minus strand). VCF-style: chr17-4899038-A-C. GRCh37 (hg19) VCF-style: chr17-4802333-A-C.
Other names: c.1289T>G, p.Val430Gly (LRG_1254t1); short protein forms V430G.
Identifiers: ClinVar variation 323979 (VCV000323979.22), dbSNP rs200343520, ClinGen allele CA8313902.
Genomic context (GRCh38, chr17:4,899,038, plus strand): 5'-CCCGCCTCTGGCTCCTGTCCCACCTCGCCGGTGGCCTCCTGATCTCTCGTGCTCTCGGCC[A>C]CGAAGTTCACGGCATCCACACAGCAGCGGACCTCGGGGGCGGCGGCGCCCAGGCTCTGGC-3'
Protein context (NP_000071.1, residues 420-440): VRCCVDAVNF[Val430Gly]AESTRDQEAT

ClinVar aggregate classification (germline): Uncertain significance. Review status: criteria provided, multiple submitters, no conflicts (2 of 4 stars). 6 submissions from 6 submitters: Uncertain significance (5). 1 of the submissions does not count toward it. Last evaluated 2025-12-01.

Conditions:
Congenital myasthenic syndrome 4A. Also called: CONGENITAL MYASTHENIC SYNDROME TYPE Ia1; Myasthenic syndrome, congenital, 4a, slow-channel; MYASTHENIC SYNDROME, CONGENITAL, 4A, SLOW-CHANNEL, AUTOSOMAL RECESSIVE. Identifiers: Orphanet 590, MedGen C4225413, MONDO:0011600, OMIM 605809.
Congenital myasthenic syndrome (CMS). Also called: Congenital Myasthenic Syndromes. Identifiers: Orphanet 590, MedGen C0751882, MeSH D020294, MONDO:0018940.

Allele frequency attached by ClinVar (database versions not stated): gnomAD 0.00003.
gnomAD v4.1: 16 of 1,611,194 alleles (0.00099%); highest among the groups gnomAD compares: Admixed American, 0.0067%; no homozygotes.

Submissions (6):

CeGaT Center for Human Genetics Tuebingen
Classification: Uncertain significance. Last evaluated: 2025-12-01. Review status: criteria provided, single submitter. Criteria: CeGaT Center For Human Genetics Tuebingen Variant Classification Criteria Version 2. Collection method: clinical testing. Allele origin: germline. Affected: yes. Observed: 1 variant allele.
Comment: CHRNE: PM2, PM3:Supporting

GeneDx
Classification: Uncertain significance. Last evaluated: 2024-12-18. Review status: criteria provided, single submitter. Criteria: GeneDx Variant Classification Process June 2021. Collection method: clinical testing. Allele origin: germline.
Comment: In silico analysis supports that this missense variant has a deleterious effect on protein structure/function; This variant is associated with the following publications: (PMID: 38832364)

Labcorp Genetics (formerly Invitae), Labcorp
Classification: Uncertain significance for Congenital myasthenic syndrome 4A. Last evaluated: 2024-11-19. Review status: criteria provided, single submitter. Criteria: Invitae Variant Classification Sherloc (09022015). Collection method: clinical testing. Allele origin: germline.
Comment: This sequence change replaces valine, which is neutral and non-polar, with glycine, which is neutral and non-polar, at codon 430 of the CHRNE protein (p.Val430Gly). This variant is present in population databases (rs200343520, gnomAD 0.01%). This variant has not been reported in the literature in individuals affected with CHRNE-related conditions. ClinVar contains an entry for this variant (Variation ID: 323979). Invitae Evidence Modeling of protein sequence and biophysical properties (such as structural, functional, and spatial information, amino acid conservation, physicochemical variation, residue mobility, and thermodynamic stability) indicates that this missense variant is not expected to disrupt CHRNE protein function with a negative predictive value of 80%. In summary, the available evidence is currently insufficient to determine the role of this variant in disease. Therefore, it has been classified as a Variant of Uncertain Significance.

Revvity Omics, Revvity
Classification: Uncertain significance. Last evaluated: 2020-02-23. Review status: criteria provided, single submitter. Criteria: ACMG Guidelines, 2015. Collection method: clinical testing. Allele origin: germline.

Illumina Laboratory Services, Illumina
Classification: Uncertain significance for Congenital myasthenic syndrome. Last evaluated: 2018-01-12. Review status: criteria provided, single submitter. Criteria: ICSL Variant Classification Criteria 13 December 2019. Collection method: clinical testing. Allele origin: germline.

Natera, Inc.
Classification: Uncertain significance for Congenital myasthenic syndrome. Last evaluated: 2020-04-21. Review status: no assertion criteria provided. Collection method: clinical testing. Allele origin: germline. Not counted in ClinVar's aggregate classification.